The following is an entry in ClinVar:

ClinVar aggregate classification (germline): Uncertain significance (1 of 4 stars; one submission).

Submission:

Quest Diagnostics Nichols Institute San Juan Capistrano
Classification: Uncertain significance. Last evaluated: 2025-07-05. Review status: criteria provided, single submitter. Criteria: Quest Diagnostics criteria. Collection method: clinical testing. Allele origin: unknown.
Comment: The BTD c.1490C>T (p.Pro497Leu) variant has not been reported in individuals with BTD-related conditions in the published literature. It also has not been reported in large, multi-ethnic general populations (Genome Aggregation Database). Analysis of this variant using bioinformatics tools for the prediction of the effect of amino acid changes on protein structure and function yielded predictions that this variant is damaging. Based on the available information, we are unable to determine the clinical significance of this variant.

NM_000060.4:c.1490C>T

Variant type: single nucleotide variant.
Other names: c.1490C>T (NM_000060.4).
Identifiers: ClinVar variation 4532846 (VCV004532846.1).